The following is an entry in ClinVar:

ClinVar aggregate classification (germline): Pathogenic (1 of 4 stars; one submission).

Submission:

ISCA site 15
Classification: Pathogenic. Last evaluated: 2011-08-12. Review status: criteria provided, single submitter. Criteria: Kaminsky et al. (Genet Med. 2011). Collection method: clinical testing. Allele origin: maternal. Affected: yes. Observed: 1 variant allele.
Comment: Copy number variation identified through the course of routine clinical cytogenomic testing in postnatal populations. Clinical assertions have been curated as described in Kaminsky et al. 2011.

GRCh38/hg38 Xp11.23-11.22(chrX:50086006-54030240)x1

Genes: AKAP4 (A-kinase anchoring protein 4; minus strand), ASMER2 (adipocyte associated metabolic related lncRNA 2; plus strand), BMP15 (bone morphogenetic protein 15; plus strand), CCNB3 (cyclin B3; plus strand), CENPVL1 (centromere protein V like 1; plus strand) and 86 more. Cytogenetic location: Xp11.23-11.22.
Variant type: copy number loss.
Change: copy number 1 of chrX:50,086,006-54,030,240 (3.94 Mb, GRCh38 coordinates, 1-based), cytogenetic band Xp11.23-11.22.
Identifiers: ClinVar variation 57921 (VCV000057921.1).